The following is an entry in ClinVar:

ClinVar aggregate classification (germline): Likely pathogenic (1 of 4 stars; one submission).

Conditions:
Congenital lipoid adrenal hyperplasia due to STAR deficency. Also called: Congenital Lipoid Adrenal Hyperplasia; Cholesterol monooxygenase (side-chain cleaving) deficiency; Lipoid adrenal hyperplasia; ADRENAL HYPERPLASIA I. Identifiers: Orphanet 418, Orphanet 90790, MedGen C0342474, MONDO:0008725, OMIM 201710.

Submission:

Myriad Genetics, Inc.
Classification: Likely pathogenic for Congenital lipoid adrenal hyperplasia due to STAR deficency. Last evaluated: 2021-12-05. Review status: criteria provided, single submitter. Criteria: Myriad Women's Health Autosomal Recessive and X-Linked Classification Criteria (2021). Collection method: clinical testing. Allele origin: unknown.
Comment: NM_000349.2(STAR):c.611_612delCA(T204Rfs*7) is expected to be pathogenic in the context of lipoid congenital adrenal hyperplasia. This variant is predicted to lead to an abnormal or absent protein product due to the creation of a premature termination codon in STAR, a gene where loss-of-function variants are known to be pathogenic. Please note: this variant was assessed in the context of healthy population screening.

NM_000349.3(STAR):c.611_612del (p.Thr204fs)

Gene: STAR (steroidogenic acute regulatory protein; minus strand). Cytogenetic location: 8p11.23.
Variant type: Microsatellite.
Coding change: c.611_612del on transcript NM_000349.3 (MANE Select); coding-DNA positions 611 to 612, 2 bases deleted (CA; older notation c.611_612delCA).
Protein change: p.Thr204fs; shifts the reading frame from threonine 204.
Molecular consequence: frameshift variant.
Genome position (GRCh38, 1-based): chr8:38,146,001-38,146,002, TG deleted on the plus strand (CA on the coding strand, the reverse complement: STAR is on the minus strand); deleting any 2 consecutive bases within chr8:38,146,001-38,146,004 gives the same sequence; the c. name uses the placement nearest the transcript's 3' end. VCF-style (leftmost placement, unchanged base first): chr8-38146000-CTG-C. GRCh37 (hg19) VCF-style: chr8-38003518-CTG-C.
Other names: short protein forms T204fs.
Identifiers: ClinVar variation 1725633 (VCV001725633.2), dbSNP rs772816005, ClinGen allele CA4715208.
Genomic context (GRCh38, chr8:38,146,000, plus strand): 5'-TTGGAGCCTGCTGCCCGTATTACCTGATGACACCCTTCTGCTCAGGCATGTTCCCGAAGT[CTG>C]TGGCCATGCCAGCCAGCACACAGGTGGAGCCTCGGCGCTTGGCACAGCGCACGCTCACAA-3'